The following is an entry in ClinVar:

NM_001166034.2(SBSN):c.1092A>G (p.Glu364=)

Gene: SBSN (suprabasin; minus strand). Cytogenetic location: 19q13.12.
Variant type: single nucleotide variant.
Coding change: c.1092A>G on transcript NM_001166034.2 (MANE Select); coding-DNA position 1092, A replaced by G.
Protein change: p.Glu364=; no amino-acid change (glutamic acid 364 retained).
Molecular consequence: synonymous variant. On other transcripts: intron variant (2).
Genome position (GRCh38, 1-based): chr19:35,527,190, T>C on the plus strand (A>G on the coding strand, the complement: SBSN is on the minus strand). VCF-style: chr19-35527190-T-C. GRCh37 (hg19) VCF-style: chr19-36018092-T-C.
Other names: c.375+717A>G (NM_001166035.2); c.376-313A>G (NM_198538.4).
Identifiers: ClinVar variation 4534074 (VCV004534074.6).

ClinVar aggregate classification (germline): Likely benign (1 of 4 stars; one submission).

Submission:

CeGaT Center for Human Genetics Tuebingen
Classification: Likely benign. Last evaluated: 2025-11-01. Review status: criteria provided, single submitter. Criteria: CeGaT Center For Human Genetics Tuebingen Variant Classification Criteria Version 2. Collection method: clinical testing. Allele origin: germline. Affected: yes. Observed: 1 variant allele.
Comment: SBSN: BP4, BP7